The following is an entry in ClinVar:

NM_006766.5(KAT6A):c.4399C>T (p.Gln1467Ter)

Gene: KAT6A (lysine acetyltransferase 6A; minus strand). Cytogenetic location: 8p11.21.
Variant type: single nucleotide variant.
Coding change: c.4399C>T on transcript NM_006766.5 (MANE Select); coding-DNA position 4399, C replaced by T.
Protein change: p.Gln1467Ter; replaces glutamine 1467 with a stop codon.
Molecular consequence: nonsense.
Genome position (GRCh38, 1-based): chr8:41,933,821, G>A on the plus strand (C>T on the coding strand, the complement: KAT6A is on the minus strand). VCF-style: chr8-41933821-G-A. GRCh37 (hg19) VCF-style: chr8-41791339-G-A.
Other names: short protein forms Q1467*.
Identifiers: ClinVar variation 422237 (VCV000422237.3), dbSNP rs1064795648, ClinGen allele CA16618637.

ClinVar aggregate classification (germline): Likely pathogenic (1 of 4 stars; one submission).

Submission:

GeneDx
Classification: Likely pathogenic. Last evaluated: 2019-08-07. Review status: criteria provided, single submitter. Criteria: GeneDx Variant Classification Process June 2021. Collection method: clinical testing. Allele origin: germline. Affected: yes.
Comment: Nonsense variant in the C-terminus predicted to result in protein truncation, as the last 538 amino acids are lost, and other loss-of-function variants have been reported downstream in the Human Gene Mutation Database] (Stenson et al., 2014); Not observed in large population cohorts (Lek et al., 2016); Has not been previously published as pathogenic or benign to our knowledge